The following is an entry in ClinVar:

NM_000553.6(WRN):c.1472dup (p.His491fs)

Gene: WRN (WRN RecQ like helicase; plus strand). Cytogenetic location: 8p12.
Variant type: Duplication.
Coding change: c.1472dup on transcript NM_000553.6 (MANE Select); coding-DNA position 1472, one base duplicated (A; older notation c.1472dupA).
Protein change: p.His491fs; shifts the reading frame from histidine 491.
Molecular consequence: frameshift variant.
Genome position (GRCh38, 1-based): chr8:31,087,816, A duplicated. VCF-style (leftmost placement, unchanged base first): chr8-31087815-C-CA. GRCh37 (hg19) VCF-style: chr8-30945331-C-CA.
Other names: short protein forms H491fs.
Identifiers: ClinVar variation 1070821 (VCV001070821.5), dbSNP rs2130155924, ClinGen allele CA2499219237.

ClinVar aggregate classification (germline): Pathogenic (1 of 4 stars; one submission).

Conditions:
Werner syndrome (WRN). Identifiers: Orphanet 902, MedGen C0043119, MONDO:0010196, OMIM 277700.

Submission:

Labcorp Genetics (formerly Invitae), Labcorp
Classification: Pathogenic for Werner syndrome. Last evaluated: 2020-09-17. Review status: criteria provided, single submitter. Criteria: Invitae Variant Classification Sherloc (09022015). Collection method: clinical testing. Allele origin: germline.
Comment: For these reasons, this variant has been classified as Pathogenic. Loss-of-function variants in WRN are known to be pathogenic (PMID: 16673358). This variant has not been reported in the literature in individuals with WRN-related conditions. This variant is not present in population databases (ExAC no frequency). This sequence change creates a premature translational stop signal (p.His491Glnfs*3) in the WRN gene. It is expected to result in an absent or disrupted protein product.

Literature cited by the submitters: PubMed 16673358.